The following is an entry in ClinVar:

ClinVar aggregate classification (germline): Uncertain significance. Review status: criteria provided, multiple submitters, no conflicts (2 of 4 stars). 2 submissions from 2 submitters: Uncertain significance (2). Last evaluated 2023-11-29.

Conditions:
Inborn genetic diseases. Identifiers: MedGen C0950123, MeSH D030342.

Allele frequency attached by ClinVar (database versions not stated): gnomAD exomes 0.00006; ExAC 0.00009; gnomAD 0.00019 and 0.00022; 1000 Genomes Project 0.00020; TOPMed 0.00023; 1000 Genomes Project 30x 0.00031; ESP Exome Variant Server 0.00046.
gnomAD v4.1: 57 of 1,614,082 alleles (0.0035%); highest among the groups gnomAD compares: African/African-American, 0.032%; no homozygotes.

Submissions (2):

Ambry Genetics
Classification: Uncertain significance for Inborn genetic diseases. Last evaluated: 2023-11-29. Review status: criteria provided, single submitter. Criteria: Ambry Variant Classification Scheme 2023. Collection method: clinical testing. Allele origin: germline.

Labcorp Genetics (formerly Invitae), Labcorp
Classification: Uncertain significance. Last evaluated: 2022-04-10. Review status: criteria provided, single submitter. Criteria: Invitae Variant Classification Sherloc (09022015). Collection method: clinical testing. Allele origin: germline.
Comment: This sequence change replaces arginine, which is basic and polar, with cysteine, which is neutral and slightly polar, at codon 269 of the SLC25A38 protein (p.Arg269Cys). This variant is present in population databases (rs138377954, gnomAD 0.05%). This variant has not been reported in the literature in individuals affected with SLC25A38-related conditions. Algorithms developed to predict the effect of missense changes on protein structure and function are either unavailable or do not agree on the potential impact of this missense change (SIFT: "Tolerated"; PolyPhen-2: "Possibly Damaging"; Align-GVGD: "Class C15"). In summary, the available evidence is currently insufficient to determine the role of this variant in disease. Therefore, it has been classified as a Variant of Uncertain Significance.

NM_017875.4(SLC25A38):c.805C>T (p.Arg269Cys)

Gene: SLC25A38 (solute carrier family 25 member 38; plus strand). Cytogenetic location: 3p22.1.
Variant type: single nucleotide variant.
Coding change: c.805C>T on transcript NM_017875.4 (MANE Select); coding-DNA position 805, C replaced by T.
Protein change: p.Arg269Cys; replaces arginine 269 with cysteine.
Molecular consequence: missense variant.
Genome position (GRCh38, 1-based): chr3:39,396,410, C>T. VCF-style: chr3-39396410-C-T. GRCh37 (hg19) VCF-style: chr3-39437901-C-T.
Other names: c.638C>T, p.Thr213Met (NM_001354798.2); c.805C>T (NM_017875.2); short protein forms R269C, T213M.
Identifiers: ClinVar variation 1445488 (VCV001445488.6), dbSNP rs138377954, ClinGen allele CA2327561.